The following is an entry in ClinVar:

ClinVar aggregate classification (germline): Uncertain significance (1 of 4 stars; one submission).

Submission:

Labcorp Genetics (formerly Invitae), Labcorp
Classification: Uncertain significance. Last evaluated: 2024-07-12. Review status: criteria provided, single submitter. Criteria: Invitae Variant Classification Sherloc (09022015). Collection method: clinical testing. Allele origin: germline.
Comment: This sequence change creates a premature translational stop signal (p.Ser209Hisfs*24) in the LZTS1 gene. It is expected to result in an absent or disrupted protein product. However, the current clinical and genetic evidence is not sufficient to establish whether loss-of-function variants in LZTS1 cause disease. This variant is not present in population databases (gnomAD no frequency). This variant has not been reported in the literature in individuals affected with LZTS1-related conditions. In summary, the available evidence is currently insufficient to determine the role of this variant in disease. Therefore, it has been classified as a Variant of Uncertain Significance.

NM_021020.5(LZTS1):c.625_638del (p.Ser209fs)

Gene: LZTS1 (leucine zipper tumor suppressor 1; minus strand). Cytogenetic location: 8p21.3.
Variant type: Deletion.
Coding change: c.625_638del on transcript NM_021020.5 (MANE Select); coding-DNA positions 625 to 638, 14 bases deleted (TCCGCCCACAACAT).
Protein change: p.Ser209fs; shifts the reading frame from serine 209.
Molecular consequence: frameshift variant.
Genome position (GRCh38, 1-based): chr8:20,253,293-20,253,306, ATGTTGTGGGCGGA deleted on the plus strand (TCCGCCCACAACAT on the coding strand, the reverse complement: LZTS1 is on the minus strand). VCF-style (leftmost placement, unchanged base first): chr8-20253292-GATGTTGTGGGCGGA-G. GRCh37 (hg19) VCF-style: chr8-20110803-GATGTTGTGGGCGGA-G.
Other names: c.625_638del, p.Ser209fs (NM_001362884.2); short protein forms S209fs.
Identifiers: ClinVar variation 3652933 (VCV003652933.2).